The following is an entry in ClinVar:

NM_024422.6(DSC2):c.-31C>T

Genes: DSCAS (DSC1/DSC2 antisense RNA; plus strand), DSC2 (desmocollin 2; minus strand). Cytogenetic location: 18q12.1.
Variant type: single nucleotide variant.
Coding change: c.-31C>T on transcript NM_024422.6 (MANE Select); 31 bases upstream of the start codon, C replaced by T.
Molecular consequence: 5 prime UTR variant.
Genome position (GRCh38, 1-based): chr18:31,102,002, G>A on the plus strand (C>T on the coding strand, the complement: DSC2 is on the minus strand). VCF-style: chr18-31102002-G-A. GRCh37 (hg19) VCF-style: chr18-28681965-G-A.
Other names: c.-31C>T (NM_004949.5).
Identifiers: ClinVar variation 377801 (VCV000377801.1), dbSNP rs987510906, ClinGen allele CA16607919.
Genomic context (GRCh38, chr18:31,102,002, plus strand): 5'-CCAGGAGCCGGAGGGGCGGGCTGCCTCCATGGAGAGGGCTCGGGGCAGGTCGCGGGCCGA[G>A]CGTCGGGCCGGGGTAGGAGGGCTCCGCGGGGCGAGGGCCGCGGCCGGAGCGCAGTCTGGG-3'

ClinVar aggregate classification (germline): Likely benign (1 of 4 stars; one submission).

Allele frequency attached by ClinVar (database versions not stated): gnomAD exomes 0.00002; gnomAD 0.00003 and 0.00004; TOPMed 0.00003.
gnomAD v4.1: 28 of 1,479,224 alleles (0.0019%); highest among the groups gnomAD compares: Middle Eastern, 0.023%; no homozygotes.

Submission:

GeneDx
Classification: Likely benign. Last evaluated: 2016-08-10. Review status: criteria provided, single submitter. Criteria: GeneDx Variant Classification (06012015). Collection method: clinical testing. Allele origin: germline. Affected: yes.
Comment: This variant is considered likely benign or benign based on one or more of the following criteria: it is a conservative change, it occurs at a poorly conserved position in the protein, it is predicted to be benign by multiple in silico algorithms, and/or has population frequency not consistent with disease.